The following is an entry in ClinVar:

NM_001122659.3(EDNRB):c.1013C>T (p.Pro338Leu)

Genes: EDNRB (endothelin receptor type B; minus strand), EDNRB-AS1 (EDNRB antisense RNA 1; plus strand). Cytogenetic location: 13q22.3.
Variant type: single nucleotide variant.
Coding change: c.1013C>T on transcript NM_001122659.3 (MANE Select); coding-DNA position 1013, C replaced by T.
Protein change: p.Pro338Leu; replaces proline 338 with leucine.
Molecular consequence: missense variant.
Genome position (GRCh38, 1-based): chr13:77,900,593, G>A on the plus strand (C>T on the coding strand, the complement: EDNRB is on the minus strand). VCF-style: chr13-77900593-G-A. GRCh37 (hg19) VCF-style: chr13-78474728-G-A.
Other names: c.1013C>T (NM_000115.3); c.1013C>T, p.Pro338Leu (NM_000115.5, NM_003991.4); c.1283C>T, p.Pro428Leu (NM_001201397.2); short protein forms P338L, P428L.
Identifiers: ClinVar variation 619135 (VCV000619135.3), dbSNP rs1566304640, ClinGen allele CA388451677.

ClinVar aggregate classification (germline): Conflicting classifications of pathogenicity. Review status: criteria provided, conflicting classifications (1 of 4 stars). 2 submissions from 2 submitters: Likely pathogenic (1); Uncertain significance (1). Last evaluated 2024-09-20.

Conditions:
Inborn genetic diseases. Identifiers: MedGen C0950123, MeSH D030342.
Hearing impairment. Also called: Impaired Hearing. Identifiers: MedGen C1384666, MONDO:0005365, HP:0000365.
Aganglionosis, total intestinal. Identifiers: MedGen C0345240, MONDO:0008738, OMIM 202550, HP:0005241.

Submissions (2):

Ambry Genetics
Classification: Uncertain significance for Inborn genetic diseases. Last evaluated: 2024-09-20. Review status: criteria provided, single submitter. Criteria: Ambry Variant Classification Scheme 2023. Collection method: clinical testing. Allele origin: germline.

Petrovsky National Research Centre of Surgery, The Federal Agency for Scientific Organizations
Classification: Likely pathogenic for Aganglionosis, total intestinal; Hearing impairment. Last evaluated: 2019-02-13. Review status: criteria provided, single submitter. Criteria: ACMG Guidelines, 2015. Collection method: research. Allele origin: inherited. Inheritance: Autosomal recessive inheritance. Affected: yes. Observed: 1 compound heterozygote.
Comment: The p.P248L variant is located in trans-position with known mutation p.V275M in the same gene. Multiple computational resources predict deleterious effect of p.P248L variant and intolerance of missense variants of EDNRB gene. Also it is absent from large population databases. Based on this evidence, we consider it to classify the p.P248L variant as likely pathogenic.